The following is an entry in ClinVar:

ClinVar aggregate classification (germline): Uncertain significance (1 of 4 stars; one submission).

Allele frequency attached by ClinVar (database versions not stated): gnomAD 0.00001 and 0.00003; gnomAD exomes 0.00001; TOPMed 0.00001; ExAC 0.00002.
gnomAD v4.1: 11 of 1,610,802 alleles (0.00068%); highest among the groups gnomAD compares: South Asian, 0.0099%; no homozygotes.

Submission:

Labcorp Genetics (formerly Invitae), Labcorp
Classification: Uncertain significance. Last evaluated: 2022-08-09. Review status: criteria provided, single submitter. Criteria: Invitae Variant Classification Sherloc (09022015). Collection method: clinical testing. Allele origin: germline.
Comment: This sequence change replaces glycine, which is neutral and non-polar, with serine, which is neutral and polar, at codon 98 of the GPX4 protein (p.Gly98Ser). This variant is present in population databases (rs770775625, gnomAD 0.007%). This variant has not been reported in the literature in individuals affected with GPX4-related conditions. ClinVar contains an entry for this variant (Variation ID: 1361096). Algorithms developed to predict the effect of missense changes on protein structure and function are either unavailable or do not agree on the potential impact of this missense change (SIFT: "Deleterious"; PolyPhen-2: "Not Available"; Align-GVGD: "Class C0"). In summary, the available evidence is currently insufficient to determine the role of this variant in disease. Therefore, it has been classified as a Variant of Uncertain Significance.

NM_002085.5(GPX4):c.181G>A (p.Gly61Ser)

Gene: GPX4 (glutathione peroxidase 4; plus strand). Cytogenetic location: 19p13.3.
Variant type: single nucleotide variant.
Coding change: c.181G>A on transcript NM_002085.5 (MANE Select); coding-DNA position 181, G replaced by A.
Protein change: p.Gly61Ser; replaces glycine 61 with serine.
Molecular consequence: missense variant.
Genome position (GRCh38, 1-based): chr19:1,105,367, G>A. VCF-style: chr19-1105367-G-A. GRCh37 (hg19) VCF-style: chr19-1105366-G-A.
Other names: c.181G>A, p.Gly61Ser (NM_001039847.3); c.292G>A, p.Gly98Ser (NM_001039848.4); c.100G>A, p.Gly34Ser (NM_001367832.1); short protein forms G61S, G34S, G98S.
Identifiers: ClinVar variation 1361096 (VCV001361096.3), dbSNP rs770775625, ClinGen allele CA9037233.
Genomic context (GRCh38, chr19:1,105,367, plus strand): 5'-GGGGTCGGGCCCTGGGAGGGGGCCGTGTTCTTCTGCGCTGACGCCGCCGATCCTCGCAGG[G>A]GCTTCGTGTGCATCGTCACCAACGTGGCCTCCCAGTGAGGCAAGACCGAAGTAAACTACA-3'
Protein context (NP_002076.2, residues 51-71): GHMVNLDKYR[Gly61Ser]FVCIVTNVAS